The following is an entry in ClinVar:

ClinVar aggregate classification (germline): Likely benign (1 of 4 stars; one submission).

Submission:

CeGaT Center for Human Genetics Tuebingen
Classification: Likely benign. Last evaluated: 2026-04-01. Review status: criteria provided, single submitter. Criteria: CeGaT Center For Human Genetics Tuebingen Variant Classification Criteria Version 2. Collection method: clinical testing. Allele origin: germline. Affected: yes. Observed: 1 variant allele.
Comment: RNU4-2: BS1

NC_000012.12:g.120291758T>C

Gene: RNU4-2 (RNA, U4 small nuclear 2; minus strand). Cytogenetic location: 12q24.23.
Variant type: single nucleotide variant.
Genome position: GRCh38 VCF-style: chr12-120291758-T-C. GRCh37 (hg19) VCF-style: chr12-120729561-T-C.
Identifiers: ClinVar variation 4874277 (VCV004874277.2).